The following is an entry in ClinVar:

NM_000494.4(COL17A1):c.2596G>A (p.Gly866Arg)

Gene: COL17A1 (collagen type XVII alpha 1 chain; minus strand). Cytogenetic location: 10q25.1.
Variant type: single nucleotide variant.
Coding change: c.2596G>A on transcript NM_000494.4 (MANE Select); coding-DNA position 2596, G replaced by A.
Protein change: p.Gly866Arg; replaces glycine 866 with arginine.
Molecular consequence: missense variant.
Genome position (GRCh38, 1-based): chr10:104,041,494, C>T on the plus strand (G>A on the coding strand, the complement: COL17A1 is on the minus strand). VCF-style: chr10-104041494-C-T. GRCh37 (hg19) VCF-style: chr10-105801252-C-T.
Other names: short protein forms G866R.
Identifiers: ClinVar variation 1047965 (VCV001047965.2), dbSNP rs768705886, ClinGen allele CA5678389.

ClinVar aggregate classification (germline): Conflicting classifications of pathogenicity. Review status: criteria provided, conflicting classifications (1 of 4 stars). 2 submissions from 2 submitters: Pathogenic (1); Uncertain significance (1). Last evaluated 2025-12-23.

Conditions:
Junctional epidermolysis bullosa. Identifiers: Orphanet 305, MedGen C0079301, MONDO:0017612.

Allele frequency attached by ClinVar (database versions not stated): gnomAD exomes below 0.00001; ExAC 0.00001; gnomAD 0.00001; TOPMed 0.00001.
gnomAD v4.1: 2 of 1,612,760 alleles (0.00012%); highest among the groups gnomAD compares: African/African-American, 0.0013%; no homozygotes.

Submissions (2):

Labcorp Genetics (formerly Invitae), Labcorp
Classification: Uncertain significance. Last evaluated: 2025-12-23. Review status: criteria provided, single submitter. Criteria: Invitae Variant Classification Sherloc (09022015). Collection method: clinical testing. Allele origin: germline.
Comment: This sequence change replaces glycine, which is neutral and non-polar, with arginine, which is basic and polar, at codon 866 of the COL17A1 protein (p.Gly866Arg). This variant is present in population databases (rs768705886, gnomAD 0.007%). This variant has not been reported in the literature in individuals affected with COL17A1-related conditions. ClinVar contains an entry for this variant (Variation ID: 1047965). Invitae Evidence Modeling of protein sequence and biophysical properties (such as structural, functional, and spatial information, amino acid conservation, physicochemical variation, residue mobility, and thermodynamic stability) indicates that this missense variant is not expected to disrupt COL17A1 protein function with a negative predictive value of 80%. In summary, the available evidence is currently insufficient to determine the role of this variant in disease. Therefore, it has been classified as a Variant of Uncertain Significance.

Biomedical Innovation Departament, CIEMAT
Classification: Pathogenic for Epidermolysis bullosa junctionalis. Last evaluated: 2009-10-29. Review status: criteria provided, single submitter. Criteria: ACMG Guidelines, 2015. Collection method: research. Allele origin: germline. Affected: yes. Observed: 1 variant allele.